The following is an entry in ClinVar:

NM_182961.4(SYNE1):c.11430G>A (p.Thr3810=)

Gene: SYNE1 (spectrin repeat containing nuclear envelope protein 1; minus strand). Cytogenetic location: 6q25.2.
Variant type: single nucleotide variant.
Coding change: c.11430G>A on transcript NM_182961.4 (MANE Select); coding-DNA position 11430, G replaced by A.
Protein change: p.Thr3810=; no amino-acid change (threonine 3810 retained).
Molecular consequence: synonymous variant.
Genome position (GRCh38, 1-based): chr6:152,352,177, C>T on the plus strand (G>A on the coding strand, the complement: SYNE1 is on the minus strand). VCF-style: chr6-152352177-C-T. GRCh37 (hg19) VCF-style: chr6-152673312-C-T.
Other names: c.11385G>A, p.Thr3795= (NM_033071.5).
Identifiers: ClinVar variation 285057 (VCV000285057.85), dbSNP rs137919524, ClinGen allele CA4056692.

ClinVar aggregate classification (germline): Conflicting classifications of pathogenicity. Review status: criteria provided, conflicting classifications (1 of 4 stars). 10 submissions from 9 submitters: Uncertain significance (2); Benign (3); Likely benign (4). 1 of the submissions does not count toward it. Last evaluated 2026-01-16.

Conditions:
SYNE1-related disorder. Also called: SYNE1-related disease; SYNE1-related condition; SYNE1-related disorders.
Emery-Dreifuss muscular dystrophy 4, autosomal dominant (EDMD4). Also called: EMERY-DREIFUSS MUSCULAR DYSTROPHY 4 WITH VARIABLE FEATURES. Identifiers: Orphanet 261, MedGen C2751807, MONDO:0013071, OMIM 612998.
Autosomal recessive ataxia, Beauce type. Also called: SYNE1 Deficiency; SYNE1-Related Autosomal Recessive Cerebellar Ataxia; ATAXIA, RECESSIVE, OF BEAUCE; Spinocerebellar ataxia, autosomal recessive 8. Identifiers: Orphanet 88644, MedGen C1853116, MONDO:0012549, OMIM 610743.

Allele frequency attached by ClinVar (database versions not stated): 1000 Genomes Project 30x 0.00031; ESP Exome Variant Server 0.00031; 1000 Genomes Project 0.00040; TOPMed 0.00049; gnomAD 0.00080 and 0.00081; ExAC 0.00084; gnomAD exomes 0.00087 and 0.00094.
gnomAD v4.1: 1,492 of 1,614,182 alleles (0.092%); highest among the groups gnomAD compares: South Asian, 0.13%; 2 homozygotes.

Submissions (10):

Labcorp Genetics (formerly Invitae), Labcorp
Classification: Benign for Emery-Dreifuss muscular dystrophy 4, autosomal dominant; Autosomal recessive ataxia, Beauce type. Last evaluated: 2026-01-16. Review status: criteria provided, single submitter. Criteria: Invitae Variant Classification Sherloc (09022015). Collection method: clinical testing. Allele origin: germline.

CeGaT Center for Human Genetics Tuebingen
Classification: Likely benign. Last evaluated: 2025-07-01. Review status: criteria provided, single submitter. Criteria: CeGaT Center For Human Genetics Tuebingen Variant Classification Criteria Version 2. Collection method: clinical testing. Allele origin: germline. Affected: yes. Observed: 3 variant alleles.
Comment: SYNE1: BP4, BP7

Athena Diagnostics
Classification: Benign. Last evaluated: 2025-01-17. Review status: criteria provided, single submitter. Criteria: Athena Diagnostics Criteria. Collection method: clinical testing. Allele origin: unknown.
Comment: The frequency of this variant in the general population is higher than would generally be expected for pathogenic variants in this gene. Computational tools yielded predictions that this variant is unlikely to have an effect on normal RNA splicing. This nucleotide position exhibits low evolutionary conservation.

Women's Health and Genetics/Laboratory Corporation of America, LabCorp
Classification: Likely benign. Last evaluated: 2025-01-13. Review status: criteria provided, single submitter. Criteria: LabCorp Variant Classification Summary - May 2015. Collection method: clinical testing. Allele origin: germline.

Blueprint Genetics
Classification: Likely benign. Last evaluated: 2024-10-18. Review status: criteria provided, single submitter. Criteria: ACMG Guidelines, 2015. Collection method: clinical testing. Allele origin: germline.

GeneDx
Classification: Likely benign. Last evaluated: 2021-05-12. Review status: criteria provided, single submitter. Criteria: GeneDx Variant Classification Process June 2021. Collection method: clinical testing. Allele origin: germline. Affected: yes.

Eurofins Ntd Llc (ga)
Classification: Uncertain significance. Last evaluated: 2018-07-19. Review status: criteria provided, single submitter. Criteria: EGL ClinVar v180209 classification definitions. Collection method: clinical testing. Allele origin: germline. Observed: 7 variant alleles, 7 heterozygotes.

Illumina Laboratory Services, Illumina
Classification: Uncertain significance for Autosomal recessive ataxia, Beauce type. Last evaluated: 2018-01-12. Review status: criteria provided, single submitter. Criteria: ICSL Variant Classification Criteria 13 December 2019. Collection method: clinical testing. Allele origin: germline.

Illumina Laboratory Services, Illumina
Classification: Benign for Emery-Dreifuss muscular dystrophy 4, autosomal dominant. Last evaluated: 2018-01-12. Review status: criteria provided, single submitter. Criteria: ICSL Variant Classification Criteria 13 December 2019. Collection method: clinical testing. Allele origin: germline.
Comment: This variant was observed in the ICSL laboratory as part of a predisposition screen in an ostensibly healthy population. It had not been previously curated by ICSL or reported in the Human Gene Mutation Database (HGMD: prior to June 1st, 2018), and was therefore a candidate for classification through an automated scoring system. Utilizing variant allele frequency, disease prevalence and penetrance estimates, and inheritance mode, an automated score was calculated to assess if this variant is too frequent to cause the disease. Based on the score and internal cut-off values, a variant classified as benign is not then subjected to further curation. The score for this variant resulted in a classification of benign for this disease.

PreventionGenetics, part of Exact Sciences
Classification: Likely benign for SYNE1-related condition. Last evaluated: 2019-04-12. Review status: no assertion criteria provided. Collection method: clinical testing. Allele origin: germline. Not counted in ClinVar's aggregate classification.
Comment: This variant is classified as likely benign based on ACMG/AMP sequence variant interpretation guidelines (Richards et al. 2015 PMID: 25741868, with internal and published modifications).